The following is an entry in ClinVar:

NM_001080421.3(UNC13A):c.4243-8C>T

Gene: UNC13A (unc-13 homolog A; minus strand). Cytogenetic location: 19p13.11.
Variant type: single nucleotide variant.
Coding change: c.4243-8C>T on transcript NM_001080421.3 (MANE Select); 8 bases into the intron before coding-DNA position 4243, C replaced by T.
Molecular consequence: intron variant.
Genome position (GRCh38, 1-based): chr19:17,620,730, G>A on the plus strand (C>T on the coding strand, the complement: UNC13A is on the minus strand). VCF-style: chr19-17620730-G-A. GRCh37 (hg19) VCF-style: chr19-17731539-G-A.
Other names: c.4228-8C>T (NM_001387022.1); c.4192-1768C>T (NM_001387023.1); c.4231-8C>T (NM_001387021.1).
Identifiers: ClinVar variation 3043189 (VCV003043189.20), dbSNP rs369026046, ClinGen allele CA9297758.

ClinVar aggregate classification (germline): Likely benign. Review status: criteria provided, multiple submitters, no conflicts (2 of 4 stars). 3 submissions from 3 submitters: Likely benign (2). 1 of the submissions does not count toward it. Last evaluated 2025-02-16.

Conditions:
UNC13A-related disorder. Also called: UNC13A-related condition.

Allele frequency attached by ClinVar (database versions not stated): 1000 Genomes Project 30x 0.00016; 1000 Genomes Project 0.00020; TOPMed 0.00027; gnomAD 0.00031; ExAC 0.00032; gnomAD exomes 0.00032; ESP Exome Variant Server 0.00072.
gnomAD v4.1: 510 of 1,612,816 alleles (0.032%); highest among the groups gnomAD compares: Non-Finnish European, 0.041%; no homozygotes.

Submissions (3):

Laboratory of Genetics, Children's Clinical University Hospital Latvia
Classification: Likely benign. Last evaluated: 2025-02-16. Review status: criteria provided, single submitter. Criteria: ACMG Guidelines, 2015. Collection method: clinical testing. Allele origin: germline. Affected: yes.

CeGaT Center for Human Genetics Tuebingen
Classification: Likely benign. Last evaluated: 2024-06-01. Review status: criteria provided, single submitter. Criteria: CeGaT Center For Human Genetics Tuebingen Variant Classification Criteria Version 2. Collection method: clinical testing. Allele origin: germline. Affected: yes. Observed: 1 variant allele.
Comment: UNC13A: BP4

PreventionGenetics, part of Exact Sciences
Classification: Likely benign for UNC13A-related condition. Last evaluated: 2019-08-14. Review status: no assertion criteria provided. Collection method: clinical testing. Allele origin: germline. Not counted in ClinVar's aggregate classification.
Comment: This variant is classified as likely benign based on ACMG/AMP sequence variant interpretation guidelines (Richards et al. 2015 PMID: 25741868, with internal and published modifications).